The following is an entry in ClinVar:

ClinVar aggregate classification (germline): Likely benign. Review status: criteria provided, multiple submitters, no conflicts (2 of 4 stars). 5 submissions from 5 submitters: Likely benign (5). Last evaluated 2025-07-03.

Conditions:
Osteogenesis imperfecta type I (OI1). Also called: OI, TYPE I; OSTEOGENESIS IMPERFECTA TARDA; OSTEOGENESIS IMPERFECTA WITH BLUE SCLERAE; Classic Non-deforming Osteogenesis Imperfecta with Blue Sclerae; Osteogenesis imperfecta type 1; Lobstein disease. Identifiers: Orphanet 216796, Orphanet 666, MedGen C0023931, MONDO:0008146, OMIM 166200. Disease mechanism: loss of function.
Cardiovascular phenotype. Identifiers: MedGen CN230736.

Allele frequency attached by ClinVar (database versions not stated): TOPMed 0.00002.
gnomAD v4.1: 23 of 1,570,256 alleles (0.0015%); highest among the groups gnomAD compares: Non-Finnish European, 0.0017%; no homozygotes.

Submissions (5):

Ambry Genetics
Classification: Likely benign for Cardiovascular phenotype. Last evaluated: 2025-07-03. Review status: criteria provided, single submitter. Criteria: Ambry Variant Classification Scheme 2023. Collection method: clinical testing. Allele origin: germline.

Mayo Clinic Laboratories, Mayo Clinic
Classification: Likely benign. Last evaluated: 2025-05-14. Review status: criteria provided, single submitter. Criteria: ACMG Guidelines, 2015. Collection method: clinical testing. Allele origin: germline. Observed: 1 variant allele.
Comment: BP4, BP7

Labcorp Genetics (formerly Invitae), Labcorp
Classification: Likely benign for Osteogenesis imperfecta type I. Last evaluated: 2024-04-30. Review status: criteria provided, single submitter. Criteria: Invitae Variant Classification Sherloc (09022015). Collection method: clinical testing. Allele origin: germline.

Blueprint Genetics
Classification: Likely benign. Last evaluated: 2021-03-19. Review status: criteria provided, single submitter. Criteria: ACMG Guidelines, 2015. Collection method: clinical testing. Allele origin: germline.

GeneDx
Classification: Likely benign. Last evaluated: 2020-09-24. Review status: criteria provided, single submitter. Criteria: GeneDx Variant Classification Process June 2021. Collection method: clinical testing. Allele origin: germline. Affected: yes.

NM_000088.4(COL1A1):c.1443C>G (p.Pro481=)

Gene: COL1A1 (collagen type I alpha 1 chain; minus strand). Cytogenetic location: 17q21.33.
Variant type: single nucleotide variant.
Coding change: c.1443C>G on transcript NM_000088.4 (MANE Select); coding-DNA position 1443, C replaced by G.
Protein change: p.Pro481=; no amino-acid change (proline 481 retained).
Molecular consequence: synonymous variant.
Genome position (GRCh38, 1-based): chr17:50,194,739, G>C on the plus strand (C>G on the coding strand, the complement: COL1A1 is on the minus strand). VCF-style: chr17-50194739-G-C. GRCh37 (hg19) VCF-style: chr17-48272100-G-C.
Other names: p.Pro481=.
Identifiers: ClinVar variation 760484 (VCV000760484.15), dbSNP rs770169695, ClinGen allele CA500849875.